The following is an entry in ClinVar:

NM_006725.5(CD6):c.1816G>A (p.Gly606Ser)

Gene: CD6 (CD6 molecule; plus strand). Cytogenetic location: 11q12.2.
Variant type: single nucleotide variant.
Coding change: c.1816G>A on transcript NM_006725.5 (MANE Select); coding-DNA position 1816, G replaced by A.
Protein change: p.Gly606Ser; replaces glycine 606 with serine.
Molecular consequence: missense variant. On other transcripts: non-coding transcript variant (1).
Genome position (GRCh38, 1-based): chr11:61,017,992, G>A. VCF-style: chr11-61017992-G-A. GRCh37 (hg19) VCF-style: chr11-60785464-G-A.
Other names: c.1720G>A, p.Gly574Ser (NM_001254750.2); c.1693G>A, p.Gly565Ser (NM_001254751.2); short protein forms G565S, G574S, G606S.
Identifiers: ClinVar variation 3055886 (VCV003055886.2), dbSNP rs2074233, ClinGen allele CA6030326.

ClinVar aggregate classification (germline): Benign (0 of 4 stars; one submission).

Conditions:
CD6-related disorder. Also called: CD6-related condition.

Allele frequency attached by ClinVar (database versions not stated): 1000 Genomes Project 30x 0.10087; 1000 Genomes Project 0.10284; TOPMed 0.16570; gnomAD 0.16645; ESP Exome Variant Server 0.18101; ExAC 0.18574.
gnomAD v4.1: 349,647 of 1,611,604 alleles (22%); highest among the groups gnomAD compares: Middle Eastern, 33%; 41,821 homozygotes.

Submission:

PreventionGenetics, part of Exact Sciences
Classification: Benign for CD6-related condition. Last evaluated: 2019-10-22. Review status: no assertion criteria provided. Collection method: clinical testing. Allele origin: germline.
Comment: This variant is classified as benign based on ACMG/AMP sequence variant interpretation guidelines (Richards et al. 2015 PMID: 25741868, with internal and published modifications).